The following is an entry in ClinVar:

NM_000441.2(SLC26A4):c.1541A>C (p.Gln514Pro)

Gene: SLC26A4 (solute carrier family 26 member 4; plus strand). Cytogenetic location: 7q22.3.
Variant type: single nucleotide variant.
Coding change: c.1541A>C on transcript NM_000441.2 (MANE Select); coding-DNA position 1541, A replaced by C.
Protein change: p.Gln514Pro; replaces glutamine 514 with proline.
Molecular consequence: missense variant.
Genome position (GRCh38, 1-based): chr7:107,696,036, A>C. VCF-style: chr7-107696036-A-C. GRCh37 (hg19) VCF-style: chr7-107336481-A-C.
Other names: c.1541A>C (NM_000441.1); short protein forms Q514P.
Identifiers: ClinVar variation 2113124 (VCV002113124.5), dbSNP rs111033316, ClinGen allele CA368841381.

ClinVar aggregate classification (germline): Likely pathogenic. Review status: criteria provided, single submitter (1 of 4 stars). 2 submissions from 2 submitters: Likely pathogenic (1). 1 of the submissions does not count toward it. Last evaluated 2022-03-28.

Conditions:
Pendred syndrome (PDS). Also called: Pendred's syndrome; HYPOTHYROIDISM, CONGENITAL, DUE TO DYSHORMONOGENESIS, 2B; THYROID DYSHORMONOGENESIS 2B; THYROID HORMONOGENESIS, GENETIC DEFECT IN, 2B; DEAFNESS WITH GOITER; GOITER-DEAFNESS SYNDROME. Identifiers: Orphanet 705, MedGen C0271829, MONDO:0010134, OMIM 274600.

Submissions (2):

Labcorp Genetics (formerly Invitae), Labcorp
Classification: Likely pathogenic. Last evaluated: 2022-03-28. Review status: criteria provided, single submitter. Criteria: Invitae Variant Classification Sherloc (09022015). Collection method: clinical testing. Allele origin: germline.
Comment: This sequence change replaces glutamine, which is neutral and polar, with proline, which is neutral and non-polar, at codon 514 of the SLC26A4 protein (p.Gln514Pro). This variant is not present in population databases (gnomAD no frequency). This variant has not been reported in the literature in individuals affected with SLC26A4-related conditions. Advanced modeling of protein sequence and biophysical properties (such as structural, functional, and spatial information, amino acid conservation, physicochemical variation, residue mobility, and thermodynamic stability) performed at Invitae indicates that this missense variant is expected to disrupt SLC26A4 protein function. This variant disrupts the p.Gln514 amino acid residue in SLC26A4. Other variant(s) that disrupt this residue have been determined to be pathogenic (PMID: 15689455, 18285825, 19017801, 25394566, 26969326). This suggests that this residue is clinically significant, and that variants that disrupt this residue are likely to be disease-causing. In summary, the currently available evidence indicates that the variant is pathogenic, but additional data are needed to prove that conclusively. Therefore, this variant has been classified as Likely Pathogenic.

Natera, Inc.
Classification: Uncertain significance for Pendred syndrome. Last evaluated: 2025-02-04. Review status: no assertion criteria provided. Collection method: clinical testing. Allele origin: germline. Not counted in ClinVar's aggregate classification.

Literature cited by the submitters: PubMed 15689455 (cited by Labcorp Genetics (formerly Invitae), Labcorp); PubMed 18285825 (cited by Labcorp Genetics (formerly Invitae), Labcorp); PubMed 19017801 (cited by Labcorp Genetics (formerly Invitae), Labcorp); PubMed 25394566 (cited by Labcorp Genetics (formerly Invitae), Labcorp); PubMed 26969326 (cited by Labcorp Genetics (formerly Invitae), Labcorp).